The following is an entry in ClinVar:

ClinVar aggregate classification (germline): Uncertain significance (1 of 4 stars; one submission).

Allele frequency attached by ClinVar (database versions not stated): ESP Exome Variant Server 0.00010; TOPMed 0.00053; 1000 Genomes Project 0.00060; 1000 Genomes Project 30x 0.00078.
gnomAD v4.1: 116 of 1,578,654 alleles (0.0073%); highest among the groups gnomAD compares: African/African-American, 0.15%; no homozygotes.

Submission:

Labcorp Genetics (formerly Invitae), Labcorp
Classification: Uncertain significance. Last evaluated: 2022-01-03. Review status: criteria provided, single submitter. Criteria: Invitae Variant Classification Sherloc (09022015). Collection method: clinical testing. Allele origin: germline.
Comment: This sequence change replaces proline, which is neutral and non-polar, with leucine, which is neutral and non-polar, at codon 4 of the RPIA protein (p.Pro4Leu). This variant is present in population databases (rs199519092, gnomAD 0.2%). This variant has not been reported in the literature in individuals affected with RPIA-related conditions. Algorithms developed to predict the effect of missense changes on protein structure and function are either unavailable or do not agree on the potential impact of this missense change (SIFT: "Deleterious"; PolyPhen-2: "Benign"; Align-GVGD: "Class C0"). In summary, the available evidence is currently insufficient to determine the role of this variant in disease. Therefore, it has been classified as a Variant of Uncertain Significance.

NM_144563.3(RPIA):c.11C>T (p.Pro4Leu)

Genes: RPIA (ribose 5-phosphate isomerase A; plus strand), LOC129934277 (ATAC-STARR-seq lymphoblastoid silent region 11733; plus strand). Cytogenetic location: 2p11.2.
Variant type: single nucleotide variant.
Coding change: c.11C>T on transcript NM_144563.3 (MANE Select); coding-DNA position 11, C replaced by T.
Protein change: p.Pro4Leu; replaces proline 4 with leucine.
Molecular consequence: missense variant.
Genome position (GRCh38, 1-based): chr2:88,691,709, C>T. VCF-style: chr2-88691709-C-T. GRCh37 (hg19) VCF-style: chr2-88991227-C-T.
Other names: short protein forms P4L.
Identifiers: ClinVar variation 1408917 (VCV001408917.3), dbSNP rs199519092, ClinGen allele CA1755048.